The following is an entry in ClinVar:

NM_013275.6(ANKRD11):c.5239C>G (p.Pro1747Ala)

Gene: ANKRD11 (ankyrin repeat domain 11; minus strand). Cytogenetic location: 16q24.3.
Variant type: single nucleotide variant.
Coding change: c.5239C>G on transcript NM_013275.6 (MANE Select); coding-DNA position 5239, C replaced by G.
Protein change: p.Pro1747Ala; replaces proline 1747 with alanine.
Molecular consequence: missense variant.
Genome position (GRCh38, 1-based): chr16:89,281,303, G>C on the plus strand (C>G on the coding strand, the complement: ANKRD11 is on the minus strand). VCF-style: chr16-89281303-G-C. GRCh37 (hg19) VCF-style: chr16-89347711-G-C.
Other names: c.5239C>G, p.Pro1747Ala (NM_001256182.2, NM_001256183.2); short protein forms P1747A.
Identifiers: ClinVar variation 3606162 (VCV003606162.2).

ClinVar aggregate classification (germline): Uncertain significance (1 of 4 stars; one submission).

Conditions:
KBG syndrome (KBGS). Also called: ANKRD11-Related KBG Syndrome. Identifiers: Orphanet 2332, MedGen C0220687, MONDO:0007846, OMIM 148050.

gnomAD v4.1: 11 of 1,614,164 alleles (0.00068%); highest among the groups gnomAD compares: African/African-American, 0.004%; no homozygotes.

Submission:

Labcorp Genetics (formerly Invitae), Labcorp
Classification: Uncertain significance for KBG syndrome. Last evaluated: 2024-02-14. Review status: criteria provided, single submitter. Criteria: Invitae Variant Classification Sherloc (09022015). Collection method: clinical testing. Allele origin: germline.
Comment: This sequence change replaces proline, which is neutral and non-polar, with alanine, which is neutral and non-polar, at codon 1747 of the ANKRD11 protein (p.Pro1747Ala). This variant is not present in population databases (gnomAD no frequency). This variant has not been reported in the literature in individuals affected with ANKRD11-related conditions. Advanced modeling of protein sequence and biophysical properties (such as structural, functional, and spatial information, amino acid conservation, physicochemical variation, residue mobility, and thermodynamic stability) performed at Invitae indicates that this missense variant is not expected to disrupt ANKRD11 protein function with a negative predictive value of 95%. In summary, the available evidence is currently insufficient to determine the role of this variant in disease. Therefore, it has been classified as a Variant of Uncertain Significance.